The following is an entry in ClinVar:

ClinVar aggregate classification (germline): Uncertain significance (1 of 4 stars; one submission).

Conditions:
Meckel-Gruber syndrome. Also called: Dysencephalia splachnocystica; DYSENCEPHALIA SPLANCHNOCYSTICA; GRUBER SYNDROME. Identifiers: Orphanet 564, MedGen C0265215, MONDO:0018921.
Joubert syndrome. Also called: Familial aplasia of the vermis; CEREBELLOPARENCHYMAL DISORDER IV; JOUBERT-BOLTSHAUSER SYNDROME. Identifiers: Orphanet 475, MedGen C5979921, MONDO:0018772.

Allele frequency attached by ClinVar (database versions not stated): gnomAD exomes below 0.00001.
gnomAD v4.1: 1 of 1,614,154 alleles (0.000062%); highest among the groups gnomAD compares: Non-Finnish European, 0.000085%; no homozygotes.

Submission:

Labcorp Genetics (formerly Invitae), Labcorp
Classification: Uncertain significance for Joubert syndrome; Meckel-Gruber syndrome. Last evaluated: 2021-08-30. Review status: criteria provided, single submitter. Criteria: Invitae Variant Classification Sherloc (09022015). Collection method: clinical testing. Allele origin: germline.
Comment: This sequence change replaces glutamic acid with lysine at codon 276 of the MKS1 protein (p.Glu276Lys). The glutamic acid residue is highly conserved and there is a small physicochemical difference between glutamic acid and lysine. This variant is not present in population databases (ExAC no frequency). This variant has not been reported in the literature in individuals affected with MKS1-related conditions. Algorithms developed to predict the effect of missense changes on protein structure and function are either unavailable or do not agree on the potential impact of this missense change (SIFT: "Deleterious"; PolyPhen-2: "Possibly Damaging"; Align-GVGD: "Class C15"). In summary, the available evidence is currently insufficient to determine the role of this variant in disease. Therefore, it has been classified as a Variant of Uncertain Significance.

NM_017777.4(MKS1):c.826G>A (p.Glu276Lys)

Gene: MKS1 (MKS transition zone complex subunit 1; minus strand). Cytogenetic location: 17q22.
Variant type: single nucleotide variant.
Coding change: c.826G>A on transcript NM_017777.4 (MANE Select); coding-DNA position 826, G replaced by A.
Protein change: p.Glu276Lys; replaces glutamic acid 276 with lysine.
Molecular consequence: missense variant.
Genome position (GRCh38, 1-based): chr17:58,213,014, C>T on the plus strand (G>A on the coding strand, the complement: MKS1 is on the minus strand). VCF-style: chr17-58213014-C-T. GRCh37 (hg19) VCF-style: chr17-56290375-C-T.
Other names: c.217G>A, p.Glu73Lys (NM_001321268.2); c.826G>A, p.Glu276Lys (NM_001321269.2, NM_001330397.2); short protein forms E276K, E73K.
Identifiers: ClinVar variation 949234 (VCV000949234.3), dbSNP rs1968967475, ClinGen allele CA400326394.